The following is an entry in ClinVar:

ClinVar aggregate classification (germline): Uncertain significance (1 of 4 stars; one submission).

Conditions:
Paroxysmal nonkinesigenic dyskinesia. Also called: Paroxysmal non-kinesigenic dyskinesia. Identifiers: Orphanet 98810, MedGen C1869117, MONDO:0700088.

Allele frequency attached by ClinVar (database versions not stated): gnomAD exomes below 0.00001.
gnomAD v4.1: 1 of 1,611,828 alleles (0.000062%); highest among the groups gnomAD compares: Non-Finnish European, 0.000085%; no homozygotes.

Submission:

Labcorp Genetics (formerly Invitae), Labcorp
Classification: Uncertain significance for Paroxysmal nonkinesigenic dyskinesia. Last evaluated: 2023-08-04. Review status: criteria provided, single submitter. Criteria: Invitae Variant Classification Sherloc (09022015). Collection method: clinical testing. Allele origin: germline.
Comment: In summary, the available evidence is currently insufficient to determine the role of this variant in disease. Therefore, it has been classified as a Variant of Uncertain Significance. This sequence change creates a premature translational stop signal (p.Tyr104*) in the PNKD gene. It is expected to result in an absent or disrupted protein product. However, the current clinical and genetic evidence is not sufficient to establish whether loss-of-function variants in PNKD cause disease. This variant is not present in population databases (gnomAD no frequency). This variant has not been reported in the literature in individuals affected with PNKD-related conditions. Experimental studies and prediction algorithms are not available or were not evaluated, and the functional significance of this variant is currently unknown.

NM_015488.5(PNKD):c.312C>A (p.Tyr104Ter)

Genes: CATIP-AS2 (CATIP antisense RNA 2; minus strand), PNKD (PNKD metallo-beta-lactamase domain containing; plus strand). Cytogenetic location: 2q35.
Variant type: single nucleotide variant.
Coding change: c.312C>A on transcript NM_015488.5 (MANE Select); coding-DNA position 312, C replaced by A.
Protein change: p.Tyr104Ter; replaces tyrosine 104 with a stop codon.
Molecular consequence: nonsense.
Genome position (GRCh38, 1-based): chr2:218,339,858, C>A. VCF-style: chr2-218339858-C-A. GRCh37 (hg19) VCF-style: chr2-219204581-C-A.
Other names: c.240C>A, p.Tyr80Ter (NM_022572.5); short protein forms Y80*, Y104*.
Identifiers: ClinVar variation 2713470 (VCV002713470.3), dbSNP rs2469461966, ClinGen allele CA350538216.